The following is an entry in ClinVar:

ClinVar aggregate classification (germline): Uncertain significance (1 of 4 stars; one submission).

Conditions:
ALG9 congenital disorder of glycosylation (CDG1L). Also called: CONGENITAL DISORDER OF GLYCOSYLATION, TYPE Il; ALG9-CDG; CDG Il. Identifiers: Orphanet 79328, MedGen C2931006, MONDO:0012117, OMIM 608776.

gnomAD v4.1: 10 of 1,613,592 alleles (0.00062%); highest among the groups gnomAD compares: Non-Finnish European, 0.00085%; no homozygotes.

Submission:

Labcorp Genetics (formerly Invitae), Labcorp
Classification: Uncertain significance for ALG9 congenital disorder of glycosylation. Last evaluated: 2022-07-03. Review status: criteria provided, single submitter. Criteria: Invitae Variant Classification Sherloc (09022015). Collection method: clinical testing. Allele origin: germline.
Comment: Experimental studies and prediction algorithms are not available or were not evaluated, and the functional significance of this variant is currently unknown. In summary, the available evidence is currently insufficient to determine the role of this variant in disease. Therefore, it has been classified as a Variant of Uncertain Significance. This variant has not been reported in the literature in individuals affected with ALG9-related conditions. This variant is not present in population databases (gnomAD no frequency). This sequence change replaces glycine, which is neutral and non-polar, with arginine, which is basic and polar, at codon 294 of the ALG9 protein (p.Gly294Arg).

NM_024740.2(ALG9):c.880G>A (p.Gly294Arg)

Gene: ALG9 (ALG9 alpha-1,2-mannosyltransferase; minus strand). Cytogenetic location: 11q23.1.
Variant type: single nucleotide variant.
Coding change: c.880G>A on transcript NM_024740.2 (MANE Select); coding-DNA position 880, G replaced by A.
Protein change: p.Gly294Arg; replaces glycine 294 with arginine.
Molecular consequence: missense variant. On other transcripts: non-coding transcript variant (1).
Genome position (GRCh38, 1-based): chr11:111,853,395, C>T on the plus strand (G>A on the coding strand, the complement: ALG9 is on the minus strand). VCF-style: chr11-111853395-C-T. GRCh37 (hg19) VCF-style: chr11-111724118-C-T.
Other names: c.880G>A, p.Gly294Arg (NM_001077690.1, NM_001352417.1, NM_001352418.1); c.367G>A, p.Gly123Arg (NM_001077691.2, NM_001077692.2, NM_001352409.1 and 11 more transcripts); c.292G>A, p.Gly98Arg (NM_001352422.2); short protein forms G294R, G98R, G123R.
Identifiers: ClinVar variation 2010069 (VCV002010069.4), dbSNP rs2497285359, ClinGen allele CA382603599.